The following is an entry in ClinVar:

NM_012414.4(RAB3GAP2):c.2950G>T (p.Glu984Ter)

Gene: RAB3GAP2 (RAB3 GTPase activating non-catalytic protein subunit 2; minus strand). Cytogenetic location: 1q41.
Variant type: single nucleotide variant.
Coding change: c.2950G>T on transcript NM_012414.4 (MANE Select); coding-DNA position 2950, G replaced by T.
Protein change: p.Glu984Ter; replaces glutamic acid 984 with a stop codon.
Molecular consequence: nonsense.
Genome position (GRCh38, 1-based): chr1:220,167,532, C>A on the plus strand (G>T on the coding strand, the complement: RAB3GAP2 is on the minus strand). VCF-style: chr1-220167532-C-A. GRCh37 (hg19) VCF-style: chr1-220340874-C-A.
Other names: short protein forms E984*.
Identifiers: ClinVar variation 4075846 (VCV004075846.1).

ClinVar aggregate classification (germline): Likely pathogenic (1 of 4 stars; one submission).

Conditions:
Warburg micro syndrome 2 (WARBM2). Also called: MICRO SYNDROME 2. Identifiers: Orphanet 2510, MedGen C3280214, MONDO:0013641, OMIM 614225.

Submission:

Sfax Medical Genetics Laboratory, Laboratoire Ksentini
Classification: Likely pathogenic for Warburg micro syndrome 2. Last evaluated: 2025-08-06. Review status: criteria provided, single submitter. Criteria: ACMG Guidelines, 2015. Collection method: clinical testing. Allele origin: unknown. Inheritance: Autosomal recessive inheritance. Affected: yes. Observed: 1 homozygote.
Comment: This variant results in the substitution of a guanine by a thymine at nucleotide position 2950 causing a premature stop codon at amino acid 984, predicted to lead to a truncated protein product or nonsense-mediated decay. This variant is absent in gnomAD 4.1.0. PVS1, PM2.